The following is an entry in ClinVar:

NC_000020.10:g.(?_3180627)_(3199298_?)del

Genes: DDRGK1 (DDRGK domain containing 1; minus strand), ITPA (inosine triphosphatase; plus strand). Cytogenetic location: 20p13.
Variant type: Deletion.
Identifiers: ClinVar variation 1458541 (VCV001458541.5).

ClinVar aggregate classification (germline): Pathogenic (1 of 4 stars; one submission).

Conditions:
Inosine triphosphatase deficiency. Also called: INOSINE TRIPHOSPHATE PYROPHOSPHOHYDROLASE DEFICIENCY. Identifiers: MedGen C0342800, MONDO:0013461, OMIM 613850.

Submission:

Labcorp Genetics (formerly Invitae), Labcorp
Classification: Pathogenic for Inosine triphosphatase deficiency. Last evaluated: 2021-04-28. Review status: criteria provided, single submitter. Criteria: Invitae Variant Classification Sherloc (09022015). Collection method: clinical testing. Allele origin: germline.
Comment: This variant is a gross deletion of the genomic region encompassing exon(s) 1-6 of the ITPA gene, which includes the initiator codon. The 5' end of this event is unknown as it extends beyond the assayed region for this gene and therefore may encompass additional genes. The 3' boundary is likely confined to intron 6 of the ITPA gene. It is expected to result in an absent or disrupted protein product. Loss-of-function variants in ITPA are known to be pathogenic (PMID: 26224535). For these reasons, this variant has been classified as Pathogenic. This variant has not been reported in the literature in individuals with ITPA-related conditions.

Literature cited by the submitters: PubMed 26224535.